The following is an entry in ClinVar:

ClinVar aggregate classification (germline): Likely benign. Review status: criteria provided, multiple submitters, no conflicts (2 of 4 stars). 3 submissions from 3 submitters: Likely benign (2). 1 of the submissions does not count toward it. Last evaluated 2025-02-11.

Conditions:
TTC7A-related disorder. Also called: TTC7A-related condition.
Multiple gastrointestinal atresias. Also called: FAMILIAL INTESTINAL POLYATRESIA SYNDROME; Multiple intestinal atresia. Identifiers: Orphanet 2300, MedGen C0220744, MONDO:0009465.

gnomAD v4.1: 3 of 1,613,664 alleles (0.00019%); highest among the groups gnomAD compares: Non-Finnish European, 0.00025%; no homozygotes.

Submissions (3):

Labcorp Genetics (formerly Invitae), Labcorp
Classification: Likely benign for Multiple gastrointestinal atresias. Last evaluated: 2025-02-11. Review status: criteria provided, single submitter. Criteria: Invitae Variant Classification Sherloc (09022015). Collection method: clinical testing. Allele origin: germline.

Breakthrough Genomics
Classification: Likely benign. Review status: criteria provided, single submitter. Criteria: ACMG Guidelines, 2015. Collection method: not provided. Allele origin: germline. Inheritance: Autosomal recessive inheritance. Affected: yes.

PreventionGenetics, part of Exact Sciences
Classification: Likely benign for TTC7A-related condition. Last evaluated: 2021-10-08. Review status: no assertion criteria provided. Collection method: clinical testing. Allele origin: germline. Not counted in ClinVar's aggregate classification.
Comment: This variant is classified as likely benign based on ACMG/AMP sequence variant interpretation guidelines (Richards et al. 2015 PMID: 25741868, with internal and published modifications).

NM_020458.4(TTC7A):c.873G>T (p.Leu291=)

Gene: TTC7A (tetratricopeptide repeat domain 7A; plus strand). Cytogenetic location: 2p21.
Variant type: single nucleotide variant.
Coding change: c.873G>T on transcript NM_020458.4 (MANE Select); coding-DNA position 873, G replaced by T.
Protein change: p.Leu291=; no amino-acid change (leucine 291 retained).
Molecular consequence: synonymous variant. On other transcripts: intron variant (1).
Genome position (GRCh38, 1-based): chr2:46,994,386, G>T. VCF-style: chr2-46994386-G-T. GRCh37 (hg19) VCF-style: chr2-47221525-G-T.
Other names: c.873G>T, p.Leu291= (NM_001288951.2); c.771G>T, p.Leu257= (NM_001288953.2); c.-61-750G>T (NM_001288955.2); c.873G>T (NM_020458.3).
Identifiers: ClinVar variation 1588526 (VCV001588526.11), dbSNP rs113997845, ClinGen allele CA425946743.